The following is an entry in ClinVar:

NM_003718.5(CDK13):c.634C>T (p.Arg212Cys)

Gene: CDK13 (cyclin dependent kinase 13; plus strand). Cytogenetic location: 7p14.1.
Variant type: single nucleotide variant.
Coding change: c.634C>T on transcript NM_003718.5 (MANE Select); coding-DNA position 634, C replaced by T.
Protein change: p.Arg212Cys; replaces arginine 212 with cysteine.
Molecular consequence: missense variant.
Genome position (GRCh38, 1-based): chr7:39,951,275, C>T. VCF-style: chr7-39951275-C-T. GRCh37 (hg19) VCF-style: chr7-39990874-C-T.
Other names: c.634C>T, p.Arg212Cys (NM_031267.4); short protein forms R212C.
Identifiers: ClinVar variation 3710134 (VCV003710134.3).

ClinVar aggregate classification (germline): Uncertain significance. Review status: criteria provided, multiple submitters, no conflicts (2 of 4 stars). 2 submissions from 2 submitters: Uncertain significance (2). Last evaluated 2024-02-08.

gnomAD v4.1: 8 of 1,355,442 alleles (0.00059%); highest among the groups gnomAD compares: Non-Finnish European, 0.00075%; no homozygotes.

Submissions (2):

Labcorp Genetics (formerly Invitae), Labcorp
Classification: Uncertain significance. Last evaluated: 2024-02-08. Review status: criteria provided, single submitter. Criteria: Invitae Variant Classification Sherloc (09022015). Collection method: clinical testing. Allele origin: germline.
Comment: This sequence change replaces arginine, which is basic and polar, with cysteine, which is neutral and slightly polar, at codon 212 of the CDK13 protein (p.Arg212Cys). This variant is not present in population databases (gnomAD no frequency). This variant has not been reported in the literature in individuals affected with CDK13-related conditions. Advanced modeling of protein sequence and biophysical properties (such as structural, functional, and spatial information, amino acid conservation, physicochemical variation, residue mobility, and thermodynamic stability) performed at Invitae indicates that this missense variant is not expected to disrupt CDK13 protein function with a negative predictive value of 95%. In summary, the available evidence is currently insufficient to determine the role of this variant in disease. Therefore, it has been classified as a Variant of Uncertain Significance.

Blueprint Genetics
Classification: Uncertain significance. Last evaluated: 2023-06-16. Review status: criteria provided, single submitter. Criteria: ACMG Guidelines, 2015. Collection method: clinical testing. Allele origin: germline.